The following is an entry in ClinVar:

NM_001379500.1(COL18A1):c.88_92del (p.Ala30fs)

Genes: BNAT1 (breast cancer associated ESR1 regulating natural antisense transcript 1; minus strand), COL18A1 (collagen type XVIII alpha 1 chain; plus strand). Cytogenetic location: 21q22.3.
Variant type: Deletion.
Coding change: c.88_92del on transcript NM_001379500.1 (MANE Select); coding-DNA positions 88 to 92, 5 bases deleted (GCGGC; older notation c.88_92delGCGGC).
Protein change: p.Ala30fs; shifts the reading frame from alanine 30.
Molecular consequence: frameshift variant.
Genome position (GRCh38, 1-based): chr21:45,405,455-45,405,459, GCGGC deleted; deleting any 5 consecutive bases within chr21:45,405,453-45,405,459 gives the same sequence; the c. name uses the placement nearest the transcript's 3' end. VCF-style (leftmost placement, unchanged base first): chr21-45405452-CGCGCG-C. GRCh37 (hg19) VCF-style: chr21-46825367-CGCGCG-C.
Other names: short protein forms A30fs.
Identifiers: ClinVar variation 1447190 (VCV001447190.6), dbSNP rs2123483827, ClinGen allele CA2573157563.

ClinVar aggregate classification (germline): Pathogenic (1 of 4 stars; one submission).

Submission:

Labcorp Genetics (formerly Invitae), Labcorp
Classification: Pathogenic. Last evaluated: 2021-02-13. Review status: criteria provided, single submitter. Criteria: Invitae Variant Classification Sherloc (09022015). Collection method: clinical testing. Allele origin: germline.
Comment: This sequence change creates a premature translational stop signal (p.Ala30Leufs*30) in the COL18A1 gene. It is expected to result in an absent or disrupted protein product. Loss-of-function variants in COL18A1 are known to be pathogenic (PMID: 12415512, 25456301). For these reasons, this variant has been classified as Pathogenic. This variant has not been reported in the literature in individuals with COL18A1-related conditions. The frequency data for this variant in the population databases is considered unreliable, as metrics indicate insufficient coverage at this position in the ExAC database.

Literature cited by the submitters: PubMed 12415512; PubMed 25456301.